The following is an entry in ClinVar:

ClinVar aggregate classification (germline): Benign/Likely benign. Review status: criteria provided, multiple submitters, no conflicts (2 of 4 stars). 5 submissions from 5 submitters: Benign (1); Likely benign (2). 2 of the submissions do not count toward it. Last evaluated 2026-08-07.

Conditions:
POLQ-related disorder. Also called: POLQ-related condition.
Familial cancer of breast. Also called: BREAST CANCER, FAMILIAL; hereditary breast carcinoma; Hereditary breast cancer. Identifiers: Orphanet 227535, MedGen C0346153, MONDO:0016419, OMIM 114480. Disease mechanism: loss of function.

Allele frequency attached by ClinVar (database versions not stated): 1000 Genomes Project 0.00739; 1000 Genomes Project 30x 0.00859; gnomAD exomes 0.01428 and 0.01903; ExAC 0.01456; gnomAD 0.01472 and 0.01504; TOPMed 0.01486; ESP Exome Variant Server 0.01622.
gnomAD v4.1: 29,860 of 1,613,160 alleles (1.9%); highest among the groups gnomAD compares: Non-Finnish European, 2.2%; 314 homozygotes.

Submissions (5):

Genomic Medicine Laboratory, Hospital de Clinicas de Porto Alegre
Classification: Likely benign for Familial cancer of breast. Last evaluated: 2026-08-07. Review status: criteria provided, single submitter. Criteria: ACGS UK Practice Guidelines For Variant Classification V12 2024. Collection method: research. Allele origin: germline. Affected: yes. Observed: 2 variant alleles.
Comment: BS2 / PP3 (REVEL 0.840): Observed in a healthy adult individual for a recessive (homozygous), dominant (heterozygous), or X-linked (hemizygous) disorder with full penetrance expected at an early age/Computational evidence supports a deleterious effect on the gene or gene product conservation, evolutionary, splicing impact, etc.)

CeGaT Center for Human Genetics Tuebingen
Classification: Benign. Last evaluated: 2026-04-01. Review status: criteria provided, single submitter. Criteria: CeGaT Center For Human Genetics Tuebingen Variant Classification Criteria Version 2. Collection method: clinical testing. Allele origin: germline. Affected: yes. Observed: 5 variant alleles.
Comment: POLQ: BS1, BS2

Breakthrough Genomics
Classification: Likely benign. Review status: criteria provided, single submitter. Criteria: ACMG Guidelines, 2015. Collection method: not provided. Allele origin: germline. Inheritance: Unknown mechanism. Affected: yes.

PreventionGenetics, part of Exact Sciences
Classification: Benign for POLQ-related condition. Last evaluated: 2019-02-19. Review status: no assertion criteria provided. Collection method: clinical testing. Allele origin: germline. Not counted in ClinVar's aggregate classification.
Comment: This variant is classified as benign based on ACMG/AMP sequence variant interpretation guidelines (Richards et al. 2015 PMID: 25741868, with internal and published modifications).

Department of Pathology and Laboratory Medicine, Sinai Health System
Classification: Likely benign. Review status: no assertion criteria provided. Collection method: clinical testing. Allele origin: unknown. Affected: yes. Study: The Canadian Open Genetics Repository (COGR). Not counted in ClinVar's aggregate classification.
Comment: The POLQ p.Ala2464Thr variant was not identified in the literature nor was it identified in ClinVar or Cosmic. The variant was identified in dbSNP (ID: rs41540016) and LOVD 3.0 (classified as likely benign). The variant was also identified in control databases in 4055 of 281978 chromosomes (44 homozygous) at a frequency of 0.01438 increasing the likelihood this could be a low frequency benign variant (Genome Aggregation Database March 6, 2019, v2.1.1). The variant was observed in the following populations: European (non-Finnish) in 3005 of 128758 chromosomes (freq: 0.02334), Other in 130 of 7182 chromosomes (freq: 0.0181), European (Finnish) in 345 of 25040 chromosomes (freq: 0.01378), Latino in 372 of 35302 chromosomes (freq: 0.01054), Ashkenazi Jewish in 78 of 10354 chromosomes (freq: 0.007533), African in 95 of 24946 chromosomes (freq: 0.003808), South Asian in 29 of 30520 chromosomes (freq: 0.00095), and East Asian in 1 of 19876 chromosomes (freq: 0.00005). The p.Ala2464 residue is conserved in mammals and computational analyses (PolyPhen-2, SIFT, AlignGVGD, BLOSUM, MutationTaster) provide inconsistent predictions regarding the impact to the protein; this information is not very predictive of pathogenicity. The p.Ala2464Thr variant occurs in the first base of the exon. This position has been shown to be part of the splicing consensus sequence and variants involving this position sometimes affect splicing. However, in silico or computational prediction software programs (SpliceSiteFinder, MaxEntScan, NNSPLICE, GeneSplicer) do not predict a difference in splicing. In summary, based on the above information the clinical significance of this variant cannot be determined with certainty at this time although we would lean towards a more benign role for this variant. This variant is classified as likely benign.

NM_199420.4(POLQ):c.7390G>A (p.Ala2464Thr)

Gene: POLQ (DNA polymerase theta; minus strand). Cytogenetic location: 3q13.33.
Variant type: single nucleotide variant.
Coding change: c.7390G>A on transcript NM_199420.4 (MANE Select); coding-DNA position 7390, G replaced by A.
Protein change: p.Ala2464Thr; replaces alanine 2464 with threonine.
Molecular consequence: missense variant.
Genome position (GRCh38, 1-based): chr3:121,436,275, C>T on the plus strand (G>A on the coding strand, the complement: POLQ is on the minus strand). VCF-style: chr3-121436275-C-T. GRCh37 (hg19) VCF-style: chr3-121155122-C-T.
Other names: c.7390G>A (NM_199420.3); short protein forms A2464T.
Identifiers: ClinVar variation 1049830 (VCV001049830.11), dbSNP rs41540016, ClinGen allele CA2562182.
Genomic context (GRCh38, chr3:121,436,275, plus strand): 5'-CTATTTTGACAATATCAGCTGCTGATCCTTGGACTATTGTGTTGATAGCTTGACGCTCAG[C>T]CTAGAAAAAACAATCAACAGGTGCTCCACCAGATATGCCAACATGGTTTCATACTTTCCT-3'
Protein context (NP_955452.3, residues 2454-2474): KDNNPYRKAH[Ala2464Thr]ERQAINTIVQ